The following is an entry in ClinVar:

NM_000718.4(CACNA1B):c.4555G>A (p.Val1519Met)

Gene: CACNA1B (calcium voltage-gated channel subunit alpha1 B; plus strand). Cytogenetic location: 9q34.3.
Variant type: single nucleotide variant.
Coding change: c.4555G>A on transcript NM_000718.4 (MANE Select); coding-DNA position 4555, G replaced by A.
Protein change: p.Val1519Met; replaces valine 1519 with methionine.
Molecular consequence: missense variant.
Genome position (GRCh38, 1-based): chr9:138,059,160, G>A. VCF-style: chr9-138059160-G-A. GRCh37 (hg19) VCF-style: chr9-140953612-G-A.
Other names: c.4555G>A (NM_000718.3); c.4555G>A, p.Val1519Met (NM_001243812.2); short protein forms V1519M.
Identifiers: ClinVar variation 2162601 (VCV002162601.3), dbSNP rs757009018, ClinGen allele CA5377024.

ClinVar aggregate classification (germline): Uncertain significance. Review status: criteria provided, multiple submitters, no conflicts (2 of 4 stars). 3 submissions from 3 submitters: Uncertain significance (3). Last evaluated 2026-08-03.

Conditions:
CACNA1B-related disorder. Also called: CACNA1B-related condition.

Allele frequency attached by ClinVar (database versions not stated): gnomAD exomes 0.00001; ExAC 0.00003; gnomAD 0.00005; TOPMed 0.00008.
gnomAD v4.1: 14 of 1,610,234 alleles (0.00087%); highest among the groups gnomAD compares: African/African-American, 0.0094%; no homozygotes.

Submissions (3):

PreventionGenetics, part of Exact Sciences
Classification: Uncertain significance for CACNA1B-related condition. Last evaluated: 2026-08-03. Review status: criteria provided, single submitter. Criteria: ACMG Guidelines, 2015. Collection method: clinical testing. Allele origin: germline.
Comment: The CACNA1B c.4555G>A variant is predicted to result in the amino acid substitution p.Val1519Met. To our knowledge, this variant has not been reported in the literature. This variant is reported in 0.021% of alleles in individuals of African descent in gnomAD. At this time, the clinical significance of this variant is uncertain due to the absence of conclusive functional and genetic evidence.

Ambry Genetics
Classification: Uncertain significance. Last evaluated: 2024-10-11. Review status: criteria provided, single submitter. Criteria: Ambry Variant Classification Scheme 2023. Collection method: clinical testing. Allele origin: germline.

Labcorp Genetics (formerly Invitae), Labcorp
Classification: Uncertain significance. Last evaluated: 2022-06-07. Review status: criteria provided, single submitter. Criteria: Invitae Variant Classification Sherloc (09022015). Collection method: clinical testing. Allele origin: germline.
Comment: This sequence change replaces valine, which is neutral and non-polar, with methionine, which is neutral and non-polar, at codon 1519 of the CACNA1B protein (p.Val1519Met). The frequency data for this variant in the population databases is considered unreliable, as metrics indicate poor data quality at this position in the gnomAD database. This variant has not been reported in the literature in individuals affected with CACNA1B-related conditions. Advanced modeling of protein sequence and biophysical properties (such as structural, functional, and spatial information, amino acid conservation, physicochemical variation, residue mobility, and thermodynamic stability) performed at Invitae indicates that this missense variant is not expected to disrupt CACNA1B protein function. In summary, the available evidence is currently insufficient to determine the role of this variant in disease. Therefore, it has been classified as a Variant of Uncertain Significance.